The following is an entry in ClinVar:

NM_016589.4(TIMMDC1):c.498C>T (p.Ser166=)

Gene: TIMMDC1 (translocase of inner mitochondrial membrane domain containing 1; plus strand). Cytogenetic location: 3q13.33.
Variant type: single nucleotide variant.
Coding change: c.498C>T on transcript NM_016589.4 (MANE Select); coding-DNA position 498, C replaced by T.
Protein change: p.Ser166=; no amino-acid change (serine 166 retained).
Molecular consequence: synonymous variant.
Genome position (GRCh38, 1-based): chr3:119,504,002, C>T. VCF-style: chr3-119504002-C-T. GRCh37 (hg19) VCF-style: chr3-119222849-C-T.
Identifiers: ClinVar variation 1949103 (VCV001949103.5), dbSNP rs2081899057, ClinGen allele CA435220083.

ClinVar aggregate classification (germline): Uncertain significance (1 of 4 stars; one submission).

Allele frequency attached by ClinVar (database versions not stated): gnomAD exomes below 0.00001.
gnomAD v4.1: 1 of 1,612,864 alleles (0.000062%); highest among the groups gnomAD compares: Non-Finnish European, 0.000085%; no homozygotes.

Submission:

Labcorp Genetics (formerly Invitae), Labcorp
Classification: Uncertain significance. Last evaluated: 2022-06-16. Review status: criteria provided, single submitter. Criteria: Invitae Variant Classification Sherloc (09022015). Collection method: clinical testing. Allele origin: germline.
Comment: This variant has not been reported in the literature in individuals affected with TIMMDC1-related conditions. Algorithms developed to predict the effect of sequence changes on RNA splicing suggest that this variant may disrupt the consensus splice site. In summary, the available evidence is currently insufficient to determine the role of this variant in disease. Therefore, it has been classified as a Variant of Uncertain Significance. This variant is not present in population databases (gnomAD no frequency). This sequence change affects codon 166 of the TIMMDC1 mRNA. It is a 'silent' change, meaning that it does not change the encoded amino acid sequence of the TIMMDC1 protein.